The following is an entry in ClinVar:

NM_000340.2(SLC2A2):c.1251G>A (p.Pro417=)

Gene: SLC2A2 (solute carrier family 2 member 2; minus strand). Cytogenetic location: 3q26.2.
Variant type: single nucleotide variant.
Coding change: c.1251G>A on transcript NM_000340.2 (MANE Select); coding-DNA position 1251, G replaced by A.
Protein change: p.Pro417=; no amino-acid change (proline 417 retained).
Molecular consequence: synonymous variant.
Genome position (GRCh38, 1-based): chr3:170,998,316, C>T on the plus strand (G>A on the coding strand, the complement: SLC2A2 is on the minus strand). VCF-style: chr3-170998316-C-T. GRCh37 (hg19) VCF-style: chr3-170716105-C-T.
Other names: c.894G>A, p.Pro298= (NM_001278658.2); c.732G>A, p.Pro244= (NM_001278659.2).
Identifiers: ClinVar variation 387979 (VCV000387979.10), dbSNP rs371657103, ClinGen allele CA2702446.

ClinVar aggregate classification (germline): Likely benign. Review status: criteria provided, multiple submitters, no conflicts (2 of 4 stars). 3 submissions from 3 submitters: Likely benign (2). 1 of the submissions does not count toward it. Last evaluated 2023-04-21.

Conditions:
SLC2A2-related disorder. Also called: SLC2A2-related condition.
Fanconi-Bickel syndrome (FBS). Also called: Glycogen storage disease due to GLUT2 deficiency; PSEUDO-PHLORIZIN DIABETES; FANCONI SYNDROME WITH INTESTINAL MALABSORPTION AND GALACTOSE INTOLERANCE; HEPATIC GLYCOGENOSIS WITH AMINO ACIDURIA AND GLUCOSURIA; HEPATIC GLYCOGENOSIS WITH FANCONI NEPHROPATHY; HEPATORENAL GLYCOGENOSIS WITH RENAL FANCONI SYNDROME. Identifiers: Orphanet 2088, MedGen C3495427, MONDO:0009216, OMIM 227810.

Allele frequency attached by ClinVar (database versions not stated): ExAC 0.00005; gnomAD exomes 0.00006 and 0.00008; TOPMed 0.00007; ESP Exome Variant Server 0.00008; gnomAD 0.00010.
gnomAD v4.1: 132 of 1,613,610 alleles (0.0082%); highest among the groups gnomAD compares: Non-Finnish European, 0.01%; no homozygotes.

Submissions (3):

Labcorp Genetics (formerly Invitae), Labcorp
Classification: Likely benign for Fanconi-Bickel syndrome. Last evaluated: 2023-04-21. Review status: criteria provided, single submitter. Criteria: Invitae Variant Classification Sherloc (09022015). Collection method: clinical testing. Allele origin: germline.

GeneDx
Classification: Likely benign. Last evaluated: 2016-08-03. Review status: criteria provided, single submitter. Criteria: GeneDx Variant Classification (06012015). Collection method: clinical testing. Allele origin: germline. Affected: yes.
Comment: This variant is considered likely benign or benign based on one or more of the following criteria: it is a conservative change, it occurs at a poorly conserved position in the protein, it is predicted to be benign by multiple in silico algorithms, and/or has population frequency not consistent with disease.

PreventionGenetics, part of Exact Sciences
Classification: Likely benign for SLC2A2-related condition. Last evaluated: 2021-03-30. Review status: no assertion criteria provided. Collection method: clinical testing. Allele origin: germline. Not counted in ClinVar's aggregate classification.
Comment: This variant is classified as likely benign based on ACMG/AMP sequence variant interpretation guidelines (Richards et al. 2015 PMID: 25741868, with internal and published modifications).